The following is an entry in ClinVar:

NM_001165963.4(SCN1A):c.2067G>A (p.Met689Ile)

Gene: SCN1A (sodium voltage-gated channel alpha subunit 1; minus strand). Cytogenetic location: 2q24.3.
Variant type: single nucleotide variant.
Coding change: c.2067G>A on transcript NM_001165963.4 (MANE Select); coding-DNA position 2067, G replaced by A.
Protein change: p.Met689Ile; replaces methionine 689 with isoleucine.
Molecular consequence: missense variant. On other transcripts: 5 prime UTR variant (1), non-coding transcript variant (1).
Genome position (GRCh38, 1-based): chr2:166,042,401, C>T on the plus strand (G>A on the coding strand, the complement: SCN1A is on the minus strand). VCF-style: chr2-166042401-C-T. GRCh37 (hg19) VCF-style: chr2-166898911-C-T.
Other names: c.1983G>A, p.Met661Ile (NM_001165964.3, NM_001353957.2, NM_001353958.2); c.2067G>A, p.Met689Ile (NM_001202435.3, NM_001353948.2); c.2034G>A, p.Met678Ile (NM_001353949.2, NM_001353950.2, NM_001353951.2 and 2 more transcripts); c.2031G>A, p.Met677Ile (NM_001353954.2, NM_001353955.2); c.1980G>A, p.Met660Ile (NM_001353960.2); c.-392G>A (NM_001353961.2); short protein forms M660I, M661I, M677I, M678I, M689I.
Identifiers: ClinVar variation 3375141 (VCV003375141.1).

ClinVar aggregate classification (germline): Uncertain significance (1 of 4 stars; one submission).

gnomAD v4.1: 1 of 1,613,840 alleles (0.000062%); highest among the groups gnomAD compares: South Asian, 0.0011%; no homozygotes.

Submission:

Women's Health and Genetics/Laboratory Corporation of America, LabCorp
Classification: Uncertain significance. Last evaluated: 2024-09-27. Review status: criteria provided, single submitter. Criteria: LabCorp Variant Classification Summary - May 2015. Collection method: clinical testing. Allele origin: germline.
Comment: Variant summary: SCN1A c.2067G>A (p.Met689Ile) results in a conservative amino acid change located in the Voltage-gated Na+ ion channel, cytoplasmic domain (IPR024583) of the encoded protein sequence. Five of five in-silico tools predict a benign effect of the variant on protein function. The variant was absent in 251194 control chromosomes. The available data on variant occurrences in the general population are insufficient to allow any conclusion about variant significance. To our knowledge, no occurrence of c.2067G>A in individuals affected with SCN1A-Related Seizure Disorder and no experimental evidence demonstrating its impact on protein function have been reported. No submitters have cited clinical-significance assessments for this variant to ClinVar. Based on the evidence outlined above, the variant was classified as uncertain significance.